The following is an entry in ClinVar:

NM_004260.4(RECQL4):c.1900G>A (p.Val634Met)

Gene: RECQL4 (RecQ like helicase 4; minus strand). Cytogenetic location: 8q24.3.
Variant type: single nucleotide variant.
Coding change: c.1900G>A on transcript NM_004260.4 (MANE Select); coding-DNA position 1900, G replaced by A.
Protein change: p.Val634Met; replaces valine 634 with methionine.
Molecular consequence: missense variant.
Genome position (GRCh38, 1-based): chr8:144,514,086, C>T on the plus strand (G>A on the coding strand, the complement: RECQL4 is on the minus strand). VCF-style: chr8-144514086-C-T. GRCh37 (hg19) VCF-style: chr8-145739470-C-T.
Other names: short protein forms V634M.
Identifiers: ClinVar variation 406918 (VCV000406918.13), dbSNP rs747895651, ClinGen allele CA4948579.

ClinVar aggregate classification (germline): Uncertain significance. Review status: criteria provided, multiple submitters, no conflicts (2 of 4 stars). 5 submissions from 5 submitters: Uncertain significance (5). Last evaluated 2025-12-30.

Conditions:
Inborn genetic diseases. Identifiers: MedGen C0950123, MeSH D030342.
Baller-Gerold syndrome (BGS). Also called: CRANIOSYNOSTOSIS WITH RADIAL DEFECTS. Identifiers: Orphanet 1225, MedGen C0265308, MONDO:0009039, OMIM 218600.
Rothmund-Thomson syndrome (RTS). Also called: Poikiloderma of Rothmund-Thomson; Poikiloderma Congenitale. Identifiers: Orphanet 2909, MedGen C0032339, MONDO:0010002.
Rapadilino syndrome. Identifiers: Orphanet 3021, MedGen C1849453, MONDO:0009955, OMIM 266280.
Familial meningioma. Also called: Meningioma, familial, susceptibility to. Identifiers: Orphanet 263662, MedGen C3551915, MONDO:0011789, OMIM 607174.

Allele frequency attached by ClinVar (database versions not stated): TOPMed 0.00004; ExAC 0.00002; gnomAD exomes 0.00001 and below 0.00001; gnomAD 0.00006 and 0.00007.
gnomAD v4.1: 30 of 1,598,226 alleles (0.0019%); highest among the groups gnomAD compares: African/African-American, 0.011%; no homozygotes.

Submissions (5):

Dasa
Classification: Uncertain significance. Last evaluated: 2025-12-30. Review status: criteria provided, single submitter. Criteria: DASA Assertion Criteria. Collection method: clinical testing. Allele origin: germline.
Comment: NM_004260.4(RECQL4):c.1900G>A (p.Val634Met) is a missense variant that results in the substitution of valine with methionine. This variant is rare in population databases. The currently available literature and clinical evidence are not sufficient to establish a definitive association between this variant and the reported condition. Therefore, this variant is classified as a variant of uncertain significance.

Dr. Guy Rouleau's laboratory, McGill University
Classification: Uncertain significance for Familial meningioma. Last evaluated: 2025-03-22. Review status: criteria provided, single submitter. Criteria: ACMG Guidelines, 2015. Collection method: research. Allele origin: germline. Affected: yes.
Comment: This missense variant located at the position 634, is charge from Valine (V) neurtal and nonpolar aminoacid to Methionine (M) sulfur-containing amino acid in RECQL4 gene. This variant has been reported in population database (gnomAD v2.1.1 allele frequency =0.00001217, exome coverage 47X). Based on the available evidence, the clinical significance of this variant is unknown.

Ambry Genetics
Classification: Uncertain significance for Inborn genetic diseases. Last evaluated: 2024-11-26. Review status: criteria provided, single submitter. Criteria: Ambry Variant Classification Scheme 2023. Collection method: clinical testing. Allele origin: germline.
Comment: The p.V634M variant (also known as c.1900G>A), located in coding exon 12 of the RECQL4 gene, results from a G to A substitution at nucleotide position 1900. The valine at codon 634 is replaced by methionine, an amino acid with highly similar properties. This amino acid position is conserved. In addition, the in silico prediction for this alteration is inconclusive. Based on the available evidence, the clinical significance of this variant remains unclear.

Labcorp Genetics (formerly Invitae), Labcorp
Classification: Uncertain significance for Baller-Gerold syndrome. Last evaluated: 2024-04-29. Review status: criteria provided, single submitter. Criteria: Invitae Variant Classification Sherloc (09022015). Collection method: clinical testing. Allele origin: germline.
Comment: This sequence change replaces valine, which is neutral and non-polar, with methionine, which is neutral and non-polar, at codon 634 of the RECQL4 protein (p.Val634Met). The frequency data for this variant in the population databases is considered unreliable, as metrics indicate poor data quality at this position in the gnomAD database. This variant has not been reported in the literature in individuals affected with RECQL4-related conditions. ClinVar contains an entry for this variant (Variation ID: 406918). Advanced modeling of protein sequence and biophysical properties (such as structural, functional, and spatial information, amino acid conservation, physicochemical variation, residue mobility, and thermodynamic stability) performed at Invitae indicates that this missense variant is expected to disrupt RECQL4 protein function with a positive predictive value of 80%. In summary, the available evidence is currently insufficient to determine the role of this variant in disease. Therefore, it has been classified as a Variant of Uncertain Significance.

Fulgent Genetics
Classification: Uncertain significance for Baller-Gerold syndrome; Rapadilino syndrome; Rothmund-Thomson syndrome type 2. Last evaluated: 2018-10-31. Review status: criteria provided, single submitter. Criteria: ACMG Guidelines, 2015. Collection method: clinical testing. Allele origin: unknown.